The following is an entry in ClinVar:

NM_001127898.4(CLCN5):c.2061C>A (p.Tyr687Ter)

Genes: CLCN5 (Cl-/H+ antiporter 5; plus strand), LOC126863258 (BRD4-independent group 4 enhancer GRCh37_chrX:49854497-49855696; plus strand). Cytogenetic location: Xp11.23.
Variant type: single nucleotide variant.
Coding change: c.2061C>A on transcript NM_001127898.4 (MANE Select); coding-DNA position 2061, C replaced by A.
Protein change: p.Tyr687Ter; replaces tyrosine 687 with a stop codon.
Molecular consequence: nonsense.
Genome position (GRCh38, 1-based): chrX:50,090,432, C>A. VCF-style: chrX-50090432-C-A. GRCh37 (hg19) VCF-style: chrX-49855089-C-A.
Other names: c.1851C>A, p.Tyr617Ter (NM_000084.5); c.2061C>A, p.Tyr687Ter (NM_001127899.4); c.1911C>A, p.Tyr637Ter (NM_001282163.2); short protein forms Y617*, Y637*, Y687*.
Identifiers: ClinVar variation 3255103 (VCV003255103.1), dbSNP rs2519445562.

ClinVar aggregate classification (germline): Pathogenic (1 of 4 stars; one submission).

Conditions:
Dent disease type 1 (DENT1). Also called: NEPHROLITHIASIS 2; NEPHROLITHIASIS, HYPERCALCIURIC, X-LINKED. Identifiers: Orphanet 1652, Orphanet 93622, MedGen C1848336, MONDO:0010225, OMIM 300009.

gnomAD v4.1: 1 of 1,207,457 alleles (0.000083%); highest among the groups gnomAD compares: Non-Finnish European, 0.00011%; no homozygotes.

Submission:

Victorian Clinical Genetics Services, Murdoch Childrens Research Institute
Classification: Pathogenic for Dent disease type 1. Last evaluated: 2023-07-17. Review status: criteria provided, single submitter. Criteria: ACMG Guidelines, 2015. Collection method: clinical testing. Allele origin: germline. Inheritance: X-linked recessive inheritance. Affected: yes.
Comment: Based on the classification scheme VCGS_Germline_v1.3.4, this variant is classified as Pathogenic. Following criteria are met: 0102 - Loss of function is a known mechanism of disease in this gene and is associated with Dent disease 1 (MIM#300009). (I) 0109 - This gene is associated with X-linked recessive disease. Dent disease 1 (MIM#300009) is now the generally accepted name for a group of hereditary tubular disorders including X-linked recessive nephrolithiasis type I (MIM#310468), hypophosphataemic rickets (MIM#300554), and low molecular weight proteinuria with hypercalciuric nephrocalcinosis (MIM#308990) (PMID: 12637640). Dent disease 1 (MIM#300009) mainly affects males; however, female carriers may show a milder phenotype (PMID: 28580211). (I) 0115 - Variants in this gene are known to have variable expressivity. The phenotype can be variable within and between families (PMID: 28580211). (I) 0201 - Variant is predicted to cause nonsense-mediated decay (NMD) and loss of protein (premature termination codon is located at least 54 nucleotides upstream of the final exon-exon junction). (SP) 0253 - This variant is hemizygous. (I) 0301 - Variant is absent from gnomAD (both v2 and v3). (SP) 0701 - Other NMD-predicted variants comparable to the one identified in this case have very strong previous evidence for pathogenicity (DECIPHER). (SP) 0802 - This variant has moderate previous evidence of pathogenicity in unrelated individuals. This variant has been observed in two individuals with Dent disease in the literature (PMIDs: 10906159, 28815356), and an alternative nucleotide change with the same predicted protein outcome has been classified as likely pathogenic by a clinical laboratory in ClinVar. (SP) 0905 - No published segregation evidence has been identified for this variant. (I) 1208 - Inheritance information for this variant is not currently available in this individual. (I) Legend: (SP) - Supporting pathogenic, (I) - Information, (SB) - Supporting benign

Literature cited by the submitters: PubMed 10906159; PubMed 12637640; PubMed 28580211; PubMed 28815356.